The following is an entry in ClinVar:

NM_152743.4(BRAT1):c.1766G>A (p.Arg589Gln)

Gene: BRAT1 (BRCA1 associated ATM activator 1; minus strand). Cytogenetic location: 7p22.3.
Variant type: single nucleotide variant.
Coding change: c.1766G>A on transcript NM_152743.4 (MANE Select); coding-DNA position 1766, G replaced by A.
Protein change: p.Arg589Gln; replaces arginine 589 with glutamine.
Molecular consequence: missense variant. On other transcripts: non-coding transcript variant (1).
Genome position (GRCh38, 1-based): chr7:2,539,183, C>T on the plus strand (G>A on the coding strand, the complement: BRAT1 is on the minus strand). VCF-style: chr7-2539183-C-T. GRCh37 (hg19) VCF-style: chr7-2578817-C-T.
Other names: c.1766G>A, p.Arg589Gln (NM_001350626.2); c.1241G>A, p.Arg414Gln (NM_001350627.2); short protein forms R414Q, R589Q.
Identifiers: ClinVar variation 1180912 (VCV001180912.6), dbSNP rs375281590, ClinGen allele CA4127603.
Genomic context (GRCh38, chr7:2,539,183, plus strand): 5'-GAGCACACACGATGGCCAGGCGGGAGTTGCTGGCTGAGGAACCTGCCACCTCCTACCTGC[C>T]GGGCCTCTGCATGCTCAGGGCTGGTGGGGGCGTGCAGGCCCTGGCTGGACAGCTGCCCCA-3'
Protein context (NP_689956.2, residues 579-599): APTSPEHAEA[Arg589Gln]QSLFLELLHI

ClinVar aggregate classification (germline): Conflicting classifications of pathogenicity. Review status: criteria provided, conflicting classifications (1 of 4 stars). 2 submissions from 2 submitters: Uncertain significance (1); Likely benign (1). Last evaluated 2024-04-14.

Conditions:
Inborn genetic diseases. Identifiers: MedGen C0950123, MeSH D030342.

Allele frequency attached by ClinVar (database versions not stated): 1000 Genomes Project 30x 0.00016; 1000 Genomes Project 0.00020.

Submissions (2):

GeneDx
Classification: Uncertain significance. Last evaluated: 2024-04-14. Review status: criteria provided, single submitter. Criteria: GeneDx Variant Classification Process June 2021. Collection method: clinical testing. Allele origin: germline. Affected: yes.
Comment: In silico analysis indicates that this missense variant does not alter protein structure/function; Has not been previously published as pathogenic or benign to our knowledge

Ambry Genetics
Classification: Likely benign for Inborn genetic diseases. Last evaluated: 2023-09-25. Review status: criteria provided, single submitter. Criteria: Ambry Variant Classification Scheme 2023. Collection method: clinical testing. Allele origin: germline.